The following is an entry in ClinVar:

ClinVar aggregate classification (germline): Likely benign (1 of 4 stars; one submission).

Allele frequency attached by ClinVar (database versions not stated): 1000 Genomes Project 0.00180; 1000 Genomes Project 30x 0.00187; TOPMed 0.00320; gnomAD 0.00346; ExAC 0.00420; gnomAD exomes 0.00430; ESP Exome Variant Server 0.00446.
gnomAD v4.1: 6,765 of 1,614,022 alleles (0.42%); highest among the groups gnomAD compares: Middle Eastern, 0.96%; 17 homozygotes.

Submission:

CeGaT Center for Human Genetics Tuebingen
Classification: Likely benign. Last evaluated: 2022-10-01. Review status: criteria provided, single submitter. Criteria: CeGaT Center For Human Genetics Tuebingen Variant Classification Criteria Version 2. Collection method: clinical testing. Allele origin: germline. Affected: yes. Observed: 1 variant allele.
Comment: NLRP11: BP4, BP7

NM_001394894.2(NLRP11):c.1347A>C (p.Ile449=)

Gene: NLRP11 (NLR family pyrin domain containing 11; minus strand). Cytogenetic location: 19q13.43.
Variant type: single nucleotide variant.
Coding change: c.1347A>C on transcript NM_001394894.2 (MANE Select); coding-DNA position 1347, A replaced by C.
Protein change: p.Ile449=; no amino-acid change (isoleucine 449 retained).
Molecular consequence: synonymous variant. On other transcripts: non-coding transcript variant (2).
Genome position (GRCh38, 1-based): chr19:55,809,263, T>G on the plus strand (A>C on the coding strand, the complement: NLRP11 is on the minus strand). VCF-style: chr19-55809263-T-G. GRCh37 (hg19) VCF-style: chr19-56320629-T-G.
Other names: c.1347A>C, p.Ile449= (NM_001385453.2, NM_145007.5, NM_001385451.2); c.1050A>C, p.Ile350= (NM_001297743.3).
Identifiers: ClinVar variation 2650542 (VCV002650542.24), dbSNP rs140090548, ClinGen allele CA9681964.